The following is an entry in ClinVar:

NM_001378454.1(ALMS1):c.7999G>C (p.Gly2667Arg)

Gene: ALMS1 (ALMS1 centrosome and basal body associated protein; plus strand). Cytogenetic location: 2p13.1.
Variant type: single nucleotide variant.
Coding change: c.7999G>C on transcript NM_001378454.1 (MANE Select); coding-DNA position 7999, G replaced by C.
Protein change: p.Gly2667Arg; replaces glycine 2667 with arginine.
Molecular consequence: missense variant.
Genome position (GRCh38, 1-based): chr2:73,489,958, G>C. VCF-style: chr2-73489958-G-C. GRCh37 (hg19) VCF-style: chr2-73717085-G-C.
Other names: c.8002G>C, p.Gly2668Arg (NM_015120.4); short protein forms G2668R, G2667R.
Identifiers: ClinVar variation 2072301 (VCV002072301.4), dbSNP rs2466213708, ClinGen allele CA347266847.
Genomic context (GRCh38, chr2:73,489,958, plus strand): 5'-CAGTTAAAAAGTCATTCCCCATTTCAGAACTTTATACCTGATGAATTCAAAATCAGCAAA[G>C]GTCTTCGAATGCCATTCGATGAAAAGATGGACCCTTGGCTGTCAGAATTAGTAGAACCTG-3'
Protein context (NP_001365383.1, residues 2657-2677): FIPDEFKISK[Gly2667Arg]LRMPFDEKMD

ClinVar aggregate classification (germline): Uncertain significance (1 of 4 stars; one submission).

Conditions:
Alstrom syndrome (ALMS). Identifiers: Orphanet 64, MedGen C0268425, MONDO:0008763, OMIM 203800.

Submission:

Labcorp Genetics (formerly Invitae), Labcorp
Classification: Uncertain significance for Alstrom syndrome. Last evaluated: 2022-08-07. Review status: criteria provided, single submitter. Criteria: Invitae Variant Classification Sherloc (09022015). Collection method: clinical testing. Allele origin: germline.
Comment: In summary, the available evidence is currently insufficient to determine the role of this variant in disease. Therefore, it has been classified as a Variant of Uncertain Significance. Experimental studies and prediction algorithms are not available or were not evaluated, and the functional significance of this variant is currently unknown. This variant has not been reported in the literature in individuals affected with ALMS1-related conditions. This variant is not present in population databases (gnomAD no frequency). This sequence change replaces glycine, which is neutral and non-polar, with arginine, which is basic and polar, at codon 2668 of the ALMS1 protein (p.Gly2668Arg).